The following is an entry in ClinVar:

ClinVar aggregate classification (germline): Likely pathogenic (1 of 4 stars; one submission).

Conditions:
Finnish type amyloidosis. Also called: AMYLOIDOSIS, HEREDITARY SYSTEMIC 4, FINNISH TYPE; AMYLOID CRANIAL NEUROPATHY WITH LATTICE CORNEAL DYSTROPHY; AMYLOIDOSIS DUE TO MUTANT GELSOLIN; Meretoja type amyloidosis; Amyloidosis 5; Lattice corneal dystrophy associated with familial systemic amyloidosis. Identifiers: Orphanet 85448, MedGen C1622345, MONDO:0007097, OMIM 105120.

Submission:

Lifecell International Pvt. Ltd
Classification: Likely pathogenic for Finnish type amyloidosis. Review status: criteria provided, single submitter. Criteria: ACMG Guidelines, 2015. Collection method: clinical testing. Allele origin: germline. Inheritance: Autosomal dominant inheritance. Affected: yes. Observed: 1 heterozygote.
Comment: A Heterozygous Frameshift variant c.110_111insG in Exon 1 of the GSN gene that results in the amino acid substitution p.Ala39fs*73 was identified. The observed variant is novel in gnomAD exomes. The severity of the impact of this variant on the protein is high, based on the effect of the protein and REVEL score . Rare Exome Variant Ensemble Learner (REVEL) is an ensembl method for predicting the pathogenicity of missense variants based on a combination of scores from 13 individual tools: MutPred, FATHMM v2.3, VEST 3.0, PolyPhen-2, SIFT, PROVEAN, MutationAssessor, MutationTaster, LRT, GERP++, SiPhy, phyloP, and phastCons. The REVEL score for an individual missense variant can range from 0 to 1, with higher scores reflecting greater likelihood that the variant is disease-causing. Based on the above evidence this variant has been classified as Likely Pathogenic according to the ACMG guidelines.

NM_198252.3(GSN):c.-9-1987dup

Gene: GSN (gelsolin; plus strand). Cytogenetic location: 9q33.2.
Variant type: Duplication.
Coding change: c.-9-1987dup on transcript NM_198252.3 (MANE Select); 1987 bases into the intron before 9 bases upstream of the start codon, one base duplicated (G; older notation c.-9-1987dupG).
Molecular consequence: intron variant. On other transcripts: frameshift variant (2).
Genome position (GRCh38, 1-based): chr9:121,299,976, G duplicated; the last of 5 consecutive G bases (chr9:121,299,972-121,299,976); duplicating any one gives the same sequence. VCF-style (leftmost placement, unchanged base first): chr9-121299971-C-CG. GRCh37 (hg19) VCF-style: chr9-124062249-C-CG.
Other names: c.115dup, p.Ala39fs (NM_000177.5); c.-9-1987dup (NM_001353054.1, NM_001353053.1, NM_001353060.2 and 5 more transcripts); c.-47-80dup (NM_001353064.2, NM_001353066.2, NM_001353072.2 and 8 more transcripts); c.-1-1995dup (NM_001353058.2, NM_001353059.2, NM_001353056.2 and 1 more transcripts); c.-38-89dup (NM_001353073.2, NM_001353065.2, NM_001353068.2 and 2 more transcripts); c.100-1987dup (NM_001127663.2); c.-32-95dup (NM_001353070.2); c.-48-1948dup (NM_001353055.2); and 4 more; short protein forms A39fs.
Identifiers: ClinVar variation 2446395 (VCV002446395.2), dbSNP rs2059635206, ClinGen allele CA1877015304.
Genomic context (GRCh38, chr9:121,299,971, plus strand): 5'-CGCTGTGCGCGCTGTCGCTGCCCGTCCGCGCGGCCACTGCGTCGCGGGGGGCGTCCCAGG[C>CG]GGGGGCGCCCCAGGGGCGGGTGCCCGAGGCGCGGGTGAGTGCCCGGGGGGCCCCGGGGCT-3'